The following is an entry in ClinVar:

ClinVar aggregate classification (germline): Uncertain significance (1 of 4 stars; one submission).

Submission:

Labcorp Genetics (formerly Invitae), Labcorp
Classification: Uncertain significance. Last evaluated: 2025-04-22. Review status: criteria provided, single submitter. Criteria: Invitae Variant Classification Sherloc (09022015). Collection method: clinical testing. Allele origin: germline.
Comment: This sequence change replaces proline, which is neutral and non-polar, with histidine, which is basic and polar, at codon 310 of the DEAF1 protein (p.Pro310His). This variant is not present in population databases (gnomAD no frequency). This variant has not been reported in the literature in individuals affected with DEAF1-related conditions. Invitae Evidence Modeling of protein sequence and biophysical properties (such as structural, functional, and spatial information, amino acid conservation, physicochemical variation, residue mobility, and thermodynamic stability) has been performed for this missense variant. However, the output from this modeling did not meet the statistical confidence thresholds required to predict the impact of this variant on DEAF1 protein function. In summary, the available evidence is currently insufficient to determine the role of this variant in disease. Therefore, it has been classified as a Variant of Uncertain Significance.

NM_021008.4(DEAF1):c.929C>A (p.Pro310His)

Gene: DEAF1 (DEAF1 transcription factor; minus strand). Cytogenetic location: 11p15.5.
Variant type: single nucleotide variant.
Coding change: c.929C>A on transcript NM_021008.4 (MANE Select); coding-DNA position 929, C replaced by A.
Protein change: p.Pro310His; replaces proline 310 with histidine.
Molecular consequence: missense variant. On other transcripts: intron variant (1).
Genome position (GRCh38, 1-based): chr11:681,031, G>T on the plus strand (C>A on the coding strand, the complement: DEAF1 is on the minus strand). VCF-style: chr11-681031-G-T. GRCh37 (hg19) VCF-style: chr11-681031-G-T.
Other names: c.203C>A, p.Pro68His (NM_001367390.1, NM_001440885.1, NM_001440886.1 and 1 more transcripts); c.929C>A, p.Pro310His (NM_001440883.1, NM_001440884.1); c.731-1215C>A (NM_001293634.2); short protein forms P310H, P68H.
Identifiers: ClinVar variation 4746223 (VCV004746223.1).
Genomic context (GRCh38, chr11:681,031, plus strand): 5'-GCCGCGGTGGCTGGAAGCAATGTGATGTTCTTGGGGGAGTCCTTCTTCACGGGAGTTGTG[G>T]GCAGTTCATTCTCCTTCTTGCGCCTTTTGTAAGGCACAAAAAGCCTGACTGGGCCACTCT-3'
Protein context (NP_066288.2, residues 300-320): YKRRKKENEL[Pro310His]TTPVKKDSPK